The following is an entry in ClinVar:

ClinVar aggregate classification (germline): Uncertain significance (1 of 4 stars; one submission).

Submission:

Labcorp Genetics (formerly Invitae), Labcorp
Classification: Uncertain significance. Last evaluated: 2020-12-31. Review status: criteria provided, single submitter. Criteria: Invitae Variant Classification Sherloc (09022015). Collection method: clinical testing. Allele origin: germline.
Comment: Algorithms developed to predict the effect of missense changes on protein structure and function are either unavailable or do not agree on the potential impact of this missense change (SIFT: "Tolerated"; PolyPhen-2: "Probably Damaging"; Align-GVGD: "Class C0"). This variant has not been reported in the literature in individuals with HSPG2-related conditions. This variant is not present in population databases (ExAC no frequency). This sequence change replaces histidine with glutamine at codon 3948 of the HSPG2 protein (p.His3948Gln). The histidine residue is moderately conserved and there is a small physicochemical difference between histidine and glutamine. Algorithms developed to predict the effect of sequence changes on RNA splicing suggest that this variant may create or strengthen a splice site, but this prediction has not been confirmed by published transcriptional studies. In summary, the available evidence is currently insufficient to determine the role of this variant in disease. Therefore, it has been classified as a Variant of Uncertain Significance.

NM_005529.7(HSPG2):c.11844C>G (p.His3948Gln)

Gene: HSPG2 (heparan sulfate proteoglycan 2; minus strand). Cytogenetic location: 1p36.12.
Variant type: single nucleotide variant.
Coding change: c.11844C>G on transcript NM_005529.7 (MANE Select); coding-DNA position 11844, C replaced by G.
Protein change: p.His3948Gln; replaces histidine 3948 with glutamine.
Molecular consequence: missense variant.
Genome position (GRCh38, 1-based): chr1:21,829,531, G>C on the plus strand (C>G on the coding strand, the complement: HSPG2 is on the minus strand). VCF-style: chr1-21829531-G-C. GRCh37 (hg19) VCF-style: chr1-22156024-G-C.
Other names: c.11847C>G, p.His3949Gln (NM_001291860.2); short protein forms H3948Q, H3949Q.
Identifiers: ClinVar variation 1513722 (VCV001513722.8), dbSNP rs2152690380, ClinGen allele CA338902088.